The following is an entry in ClinVar:

ClinVar aggregate classification (germline): Likely benign. Review status: criteria provided, single submitter (1 of 4 stars). 2 submissions from 2 submitters: Likely benign (1). 1 of the submissions does not count toward it. Last evaluated 2024-12-16.

Conditions:
PCNT-related disorder. Also called: PCNT-related condition.

Allele frequency attached by ClinVar (database versions not stated): ExAC 0.00003; gnomAD 0.00002; TOPMed 0.00003.
gnomAD v4.1: 23 of 1,612,766 alleles (0.0014%); highest among the groups gnomAD compares: Admixed American, 0.02%; no homozygotes.

Submissions (2):

Labcorp Genetics (formerly Invitae), Labcorp
Classification: Likely benign. Last evaluated: 2024-12-16. Review status: criteria provided, single submitter. Criteria: Invitae Variant Classification Sherloc (09022015). Collection method: clinical testing. Allele origin: germline.

PreventionGenetics, part of Exact Sciences
Classification: Likely benign for PCNT-related condition. Last evaluated: 2022-04-14. Review status: no assertion criteria provided. Collection method: clinical testing. Allele origin: germline. Not counted in ClinVar's aggregate classification.
Comment: This variant is classified as likely benign based on ACMG/AMP sequence variant interpretation guidelines (Richards et al. 2015 PMID: 25741868, with internal and published modifications).

NM_006031.6(PCNT):c.8304C>T (p.Thr2768=)

Gene: PCNT (pericentrin; plus strand). Cytogenetic location: 21q22.3.
Variant type: single nucleotide variant.
Coding change: c.8304C>T on transcript NM_006031.6 (MANE Select); coding-DNA position 8304, C replaced by T.
Protein change: p.Thr2768=; no amino-acid change (threonine 2768 retained).
Molecular consequence: synonymous variant.
Genome position (GRCh38, 1-based): chr21:46,431,768, C>T. VCF-style: chr21-46431768-C-T. GRCh37 (hg19) VCF-style: chr21-47851682-C-T.
Other names: c.8304C>T (NM_006031.5); c.7950C>T, p.Thr2650= (NM_001315529.2).
Identifiers: ClinVar variation 2072876 (VCV002072876.6), dbSNP rs748612157, ClinGen allele CA10080938.